The following is an entry in ClinVar:

ClinVar aggregate classification (germline): Conflicting classifications of pathogenicity. Review status: criteria provided, conflicting classifications (1 of 4 stars). 5 submissions from 5 submitters: Uncertain significance (4); Likely benign (1). Last evaluated 2025-04-27.

Conditions:
Basal cell carcinoma, susceptibility to, 1. Also called: BCC1. Identifiers: MedGen C2751544, MONDO:0011556, OMIM 605462.
Gorlin syndrome. Also called: Basal cell nevus syndrome; Nevoid Basal Cell Carcinoma Syndrome. Identifiers: Orphanet 377, MedGen C0004779, MONDO:0007187.
Hereditary cancer-predisposing syndrome. Also called: Neoplastic Syndromes, Hereditary; Tumor predisposition; Hereditary neoplastic syndrome; Hereditary Cancer Syndrome. Identifiers: Orphanet 140162, MedGen C0027672, MeSH D009386, MONDO:0015356.
Holoprosencephaly 7 (HPE7). Identifiers: Orphanet 2162, MedGen C1835820, MONDO:0012562, OMIM 610828.

Allele frequency attached by ClinVar (database versions not stated): gnomAD exomes below 0.00001.
gnomAD v4.1: 1 of 1,614,128 alleles (0.000062%); highest among the groups gnomAD compares: Non-Finnish European, 0.000085%; no homozygotes.

Submissions (5):

Labcorp Genetics (formerly Invitae), Labcorp
Classification: Uncertain significance for Gorlin syndrome. Last evaluated: 2025-04-27. Review status: criteria provided, single submitter. Criteria: Invitae Variant Classification Sherloc (09022015). Collection method: clinical testing. Allele origin: germline.
Comment: This sequence change replaces phenylalanine, which is neutral and non-polar, with valine, which is neutral and non-polar, at codon 516 of the PTCH1 protein (p.Phe516Val). This variant is not present in population databases (gnomAD no frequency). This variant has not been reported in the literature in individuals affected with PTCH1-related conditions. ClinVar contains an entry for this variant (Variation ID: 524593). Invitae Evidence Modeling of protein sequence and biophysical properties (such as structural, functional, and spatial information, amino acid conservation, physicochemical variation, residue mobility, and thermodynamic stability) has been performed for this missense variant. However, the output from this modeling did not meet the statistical confidence thresholds required to predict the impact of this variant on PTCH1 protein function. In summary, the available evidence is currently insufficient to determine the role of this variant in disease. Therefore, it has been classified as a Variant of Uncertain Significance.

GeneDx
Classification: Uncertain significance. Last evaluated: 2023-05-23. Review status: criteria provided, single submitter. Criteria: GeneDx Variant Classification Process June 2021. Collection method: clinical testing. Allele origin: germline. Affected: yes.
Comment: Not observed at significant frequency in large population cohorts (gnomAD); In silico analysis supports that this missense variant has a deleterious effect on protein structure/function; Has not been previously published as pathogenic or benign to our knowledge; This variant is associated with the following publications: (PMID: 11369205)

Baylor Genetics
Classification: Uncertain significance for Basal cell carcinoma, susceptibility to, 1. Last evaluated: 2023-05-02. Review status: criteria provided, single submitter. Criteria: ACMG Guidelines, 2015. Collection method: clinical testing. Allele origin: unknown.

Ambry Genetics
Classification: Likely benign for Hereditary cancer-predisposing syndrome. Last evaluated: 2023-01-03. Review status: criteria provided, single submitter. Criteria: Ambry Variant Classification Scheme 2023. Collection method: clinical testing. Allele origin: germline.

Fulgent Genetics
Classification: Uncertain significance for Basal cell nevus syndrome 1; Basal cell carcinoma, susceptibility to, 1; Holoprosencephaly 7. Last evaluated: 2021-12-08. Review status: criteria provided, single submitter. Criteria: ACMG Guidelines, 2015. Collection method: clinical testing. Allele origin: unknown.

NM_000264.5(PTCH1):c.1546T>G (p.Phe516Val)

Gene: PTCH1 (patched 1; minus strand). Cytogenetic location: 9q22.32.
Variant type: single nucleotide variant.
Coding change: c.1546T>G on transcript NM_000264.5 (MANE Select); coding-DNA position 1546, T replaced by G.
Protein change: p.Phe516Val; replaces phenylalanine 516 with valine.
Molecular consequence: missense variant. On other transcripts: non-coding transcript variant (1).
Genome position (GRCh38, 1-based): chr9:95,476,815, A>C on the plus strand (T>G on the coding strand, the complement: PTCH1 is on the minus strand). VCF-style: chr9-95476815-A-C. GRCh37 (hg19) VCF-style: chr9-98239097-A-C.
Other names: c.1348T>G, p.Phe450Val (NM_001083602.3); c.1543T>G, p.Phe515Val (NM_001083603.3); c.1093T>G, p.Phe365Val (NM_001083604.3, NM_001083605.3, NM_001083606.3 and 1 more transcripts); c.1390T>G, p.Phe464Val (NM_001354918.2); short protein forms F516V, F450V, F365V, F464V, F515V.
Identifiers: ClinVar variation 524593 (VCV000524593.13), dbSNP rs1554698288, ClinGen allele CA374118270.